The following is an entry in ClinVar:

ClinVar aggregate classification (germline): Uncertain significance (1 of 4 stars; one submission).

Submission:

Labcorp Genetics (formerly Invitae), Labcorp
Classification: Uncertain significance. Last evaluated: 2025-09-15. Review status: criteria provided, single submitter. Criteria: Invitae Variant Classification Sherloc (09022015). Collection method: clinical testing. Allele origin: germline.
Comment: This sequence change replaces glutamic acid, which is acidic and polar, with lysine, which is basic and polar, at codon 35 of the KLF1 protein (p.Glu35Lys). This variant is not present in population databases (gnomAD no frequency). This variant has not been reported in the literature in individuals affected with KLF1-related conditions. Invitae Evidence Modeling of protein sequence and biophysical properties (such as structural, functional, and spatial information, amino acid conservation, physicochemical variation, residue mobility, and thermodynamic stability) indicates that this missense variant is not expected to disrupt KLF1 protein function with a negative predictive value of 80%. In summary, the available evidence is currently insufficient to determine the role of this variant in disease. Therefore, it has been classified as a Variant of Uncertain Significance.

NM_006563.5(KLF1):c.103G>A (p.Glu35Lys)

Genes: KLF1 (KLF transcription factor 1; minus strand), LOC117125592 (CRISPRi-FlowFISH-validated CALR, DHPS, JUNB, PRDX2, RAD23A, RNASEH2A and WDR83OS regulatory element; plus strand). Cytogenetic location: 19p13.13.
Variant type: single nucleotide variant.
Coding change: c.103G>A on transcript NM_006563.5 (MANE Select); coding-DNA position 103, G replaced by A.
Protein change: p.Glu35Lys; replaces glutamic acid 35 with lysine.
Molecular consequence: missense variant.
Genome position (GRCh38, 1-based): chr19:12,886,127, C>T on the plus strand (G>A on the coding strand, the complement: KLF1 is on the minus strand). VCF-style: chr19-12886127-C-T. GRCh37 (hg19) VCF-style: chr19-12996941-C-T.
Other names: short protein forms E35K.
Identifiers: ClinVar variation 4702769 (VCV004702769.1).